The following is an entry in ClinVar:

NM_001267550.2(TTN):c.68330-11del

Genes: TTN (titin; minus strand), TTN-AS1 (TTN antisense RNA 1; plus strand). Cytogenetic location: 2q31.2.
Variant type: Deletion.
Coding change: c.68330-11del on transcript NM_001267550.2 (MANE Select); 11 bases into the intron before coding-DNA position 68330, one base deleted (G; older notation c.68330-11delG).
Molecular consequence: intron variant.
Genome position (GRCh38, 1-based): chr2:178,578,196, C deleted on the plus strand (G on the coding strand, the reverse complement: TTN is on the minus strand); the first of 3 consecutive C bases (chr2:178,578,196-178,578,198); deleting any one gives the same sequence. VCF-style (leftmost placement, unchanged base first): chr2-178578195-AC-A. GRCh37 (hg19) VCF-style: chr2-179442922-AC-A.
Other names: c.41135-11del (NM_003319.4); c.41711-11del (NM_133437.4); c.41510-11del (NM_133432.3); c.60626-11del (NM_133378.4); c.63407-11del (NM_001256850.1); c.63407-11delG (NM_001256850.1).
Identifiers: ClinVar variation 420571 (VCV000420571.6), dbSNP rs1004563596, ClinGen allele CA16617360.

ClinVar aggregate classification (germline): Likely benign. Review status: criteria provided, multiple submitters, no conflicts (2 of 4 stars). 2 submissions from 2 submitters: Likely benign (2). Last evaluated 2025-04-08.

Conditions:
Dilated cardiomyopathy 1G (CMD1G). Identifiers: Orphanet 154, MedGen C1858763, MONDO:0011400, OMIM 604145.
Autosomal recessive limb-girdle muscular dystrophy type 2J (LGMDR10). Also called: Limb-girdle muscular dystrophy, type 2J; MUSCULAR DYSTROPHY, LIMB-GIRDLE, AUTOSOMAL RECESSIVE 10. Identifiers: Orphanet 140922, MedGen C1837342, MONDO:0012127, OMIM 608807.

Submissions (2):

Labcorp Genetics (formerly Invitae), Labcorp
Classification: Likely benign for Dilated cardiomyopathy 1G; Autosomal recessive limb-girdle muscular dystrophy type 2J. Last evaluated: 2025-04-08. Review status: criteria provided, single submitter. Criteria: Invitae Variant Classification Sherloc (09022015). Collection method: clinical testing. Allele origin: germline.

GeneDx
Classification: Likely benign. Last evaluated: 2016-03-11. Review status: criteria provided, single submitter. Criteria: GeneDx Variant Classification (06012015). Collection method: clinical testing. Allele origin: germline. Affected: yes.
Comment: This variant is considered likely benign or benign based on one or more of the following criteria: it is a conservative change, it occurs at a poorly conserved position in the protein, it is predicted to be benign by multiple in silico algorithms, and/or has population frequency not consistent with disease.